The following is an entry in ClinVar:

NM_005633.4(SOS1):c.3704C>G (p.Pro1235Arg)

Gene: SOS1 (SOS Ras/Rac guanine nucleotide exchange factor 1; minus strand). Cytogenetic location: 2p22.1.
Variant type: single nucleotide variant.
Coding change: c.3704C>G on transcript NM_005633.4 (MANE Select); coding-DNA position 3704, C replaced by G.
Protein change: p.Pro1235Arg; replaces proline 1235 with arginine.
Molecular consequence: missense variant.
Genome position (GRCh38, 1-based): chr2:38,986,122, G>C on the plus strand (C>G on the coding strand, the complement: SOS1 is on the minus strand). VCF-style: chr2-38986122-G-C. GRCh37 (hg19) VCF-style: chr2-39213263-G-C.
Other names: c.3683C>G, p.Pro1228Arg (NM_001382394.1); c.3659C>G, p.Pro1220Arg (NM_001382395.1); short protein forms P1235R, P1228R, P1220R.
Identifiers: ClinVar variation 4747091 (VCV004747091.1).

ClinVar aggregate classification (germline): Uncertain significance (1 of 4 stars; one submission).

Conditions:
RASopathy. Also called: Noonan spectrum disorder; rasopathies. Identifiers: Orphanet 536391, MedGen C5555857, MONDO:0021060.

Submission:

Labcorp Genetics (formerly Invitae), Labcorp
Classification: Uncertain significance for RASopathy. Last evaluated: 2025-02-25. Review status: criteria provided, single submitter. Criteria: Invitae Variant Classification Sherloc (09022015). Collection method: clinical testing. Allele origin: germline.
Comment: This sequence change replaces proline, which is neutral and non-polar, with arginine, which is basic and polar, at codon 1235 of the SOS1 protein (p.Pro1235Arg). This variant is not present in population databases (gnomAD no frequency). This variant has not been reported in the literature in individuals affected with SOS1-related conditions. Invitae Evidence Modeling of protein sequence and biophysical properties (such as structural, functional, and spatial information, amino acid conservation, physicochemical variation, residue mobility, and thermodynamic stability) has been performed for this missense variant. However, the output from this modeling did not meet the statistical confidence thresholds required to predict the impact of this variant on SOS1 protein function. In summary, the available evidence is currently insufficient to determine the role of this variant in disease. Therefore, it has been classified as a Variant of Uncertain Significance.